The following is an entry in ClinVar:

ClinVar aggregate classification (germline): Uncertain significance (1 of 4 stars; one submission).

Submission:

Ambry Genetics
Classification: Uncertain significance. Last evaluated: 2026-08-12. Review status: criteria provided, single submitter. Criteria: Ambry Variant Classification Scheme 2023. Collection method: clinical testing. Allele origin: germline.
Comment: The c.1105C>T (p.R369C) alteration is located in exon 11 (coding exon 11) of the KIF5B gene. This alteration results from a C to T substitution at nucleotide position 1105, causing the arginine (R) at amino acid position 369 to be replaced by a cysteine (C). Based on data from gnomAD, the T allele has an overall frequency of <0.001% (1/254924) total alleles studied. The highest observed frequency was 0.001% (1/120156) of European (non-Finnish) alleles. Based on insufficient or conflicting evidence, the clinical significance of this alteration remains unclear.

NM_004521.3(KIF5B):c.1105C>T (p.Arg369Cys)

Gene: KIF5B (kinesin family member 5B; minus strand). Cytogenetic location: 10p11.22.
Variant type: single nucleotide variant.
Coding change: c.1105C>T on transcript NM_004521.3 (MANE Select); coding-DNA position 1105, C replaced by T.
Protein change: p.Arg369Cys; replaces arginine 369 with cysteine.
Molecular consequence: missense variant.
Genome position (GRCh38, 1-based): chr10:32,034,696, G>A on the plus strand (C>T on the coding strand, the complement: KIF5B is on the minus strand). VCF-style: chr10-32034696-G-A. GRCh37 (hg19) VCF-style: chr10-32323624-G-A.
Other names: short protein forms R369C.
Identifiers: ClinVar variation 5023262 (VCV005023262.1).
Genomic context (GRCh38, chr10:32,034,696, plus strand): 5'-ATGCTCTAAATCTGTATTTAACAAACTGAAGATGACAAATTCTTAAGTTATTACCATTAC[G>A]CCATCTGTTGAGCTCATTTTCAAGCCACTGAATAGTGTTCCGCAGGATCTTATTTTTTTC-3'
Protein context (NP_004512.1, residues 359-379): QWLENELNRW[Arg369Cys]NGETVPIDEQ